The following is an entry in ClinVar:

ClinVar aggregate classification (germline): Pathogenic (1 of 4 stars; one submission).

Allele frequency attached by ClinVar (database versions not stated): gnomAD exomes below 0.00001.

Submission:

Labcorp Genetics (formerly Invitae), Labcorp
Classification: Pathogenic. Last evaluated: 2023-10-13. Review status: criteria provided, single submitter. Criteria: Invitae Variant Classification Sherloc (09022015). Collection method: clinical testing. Allele origin: germline.
Comment: This sequence change creates a premature translational stop signal (p.Gln221Glufs*10) in the CPOX gene. It is expected to result in an absent or disrupted protein product. Loss-of-function variants in CPOX are known to be pathogenic (PMID: 9888388). This variant is present in population databases (no rsID available, gnomAD 0.0009%). This premature translational stop signal has been observed in individual(s) with CPOX-related conditions (PMID: 30385147). ClinVar contains an entry for this variant (Variation ID: 1076606). For these reasons, this variant has been classified as Pathogenic.

Literature cited by the submitters: PubMed 9888388; PubMed 30385147.

NM_000097.7(CPOX):c.661_665del (p.Gln221fs)

Gene: CPOX (coproporphyrinogen oxidase; minus strand). Cytogenetic location: 3q11.2.
Variant type: Deletion.
Coding change: c.661_665del on transcript NM_000097.7 (MANE Select); coding-DNA positions 661 to 665, 5 bases deleted (CAAAT; older notation c.661_665delCAAAT).
Protein change: p.Gln221fs; shifts the reading frame from glutamine 221.
Molecular consequence: frameshift variant.
Genome position (GRCh38, 1-based): chr3:98,591,047-98,591,051, ATTTG deleted on the plus strand (CAAAT on the coding strand, the reverse complement: CPOX is on the minus strand). VCF-style (leftmost placement, unchanged base first): chr3-98591046-CATTTG-C. GRCh37 (hg19) VCF-style: chr3-98309890-CATTTG-C.
Other names: short protein forms Q221fs.
Identifiers: ClinVar variation 1076606 (VCV001076606.5), dbSNP rs1559679227, ClinGen allele CA545016310.
Genomic context (GRCh38, chr3:98,591,046, plus strand): 5'-GAGACTATCAAGACTGTCTGATTTACCATCTTTAGTCTTCAGAACTTTTCCTCTGCTTCT[CATTTG>C]TTTTGCAGCTTCCTCTGAAAGATTTCCATGAACAACAGAAATGCTCACCCCAGCCTTTTC-3'